The following is an entry in ClinVar:

NM_144687.4(NLRP12):c.1739G>C (p.Cys580Ser)

Gene: NLRP12 (NLR family pyrin domain containing 12; minus strand). Cytogenetic location: 19q13.42.
Variant type: single nucleotide variant.
Coding change: c.1739G>C on transcript NM_144687.4 (MANE Select); coding-DNA position 1739, G replaced by C.
Protein change: p.Cys580Ser; replaces cysteine 580 with serine.
Molecular consequence: missense variant.
Genome position (GRCh38, 1-based): chr19:53,809,920, C>G on the plus strand (G>C on the coding strand, the complement: NLRP12 is on the minus strand). VCF-style: chr19-53809920-C-G. GRCh37 (hg19) VCF-style: chr19-54313174-C-G.
Other names: c.1739G>C, p.Cys580Ser (NM_001277126.2, NM_001277129.1); short protein forms C580S.
Identifiers: ClinVar variation 1362505 (VCV001362505.8), dbSNP rs774065257, ClinGen allele CA9639360.
Genomic context (GRCh38, chr19:53,809,920, plus strand): 5'-TGAGCTTTGCTTTGGATCCACTGCAACAGGTCCATCTTGATGTGCGGCGAGACCTTCCAG[C>G]AGAGACTCTTCTCCAGGTGGCTCCTGGTCTCCTCGTTCAGGAGTCCAAACAGGAAGCGGC-3'
Protein context (NP_653288.1, residues 570-590): ETRSHLEKSL[Cys580Ser]WKVSPHIKMD

ClinVar aggregate classification (germline): Uncertain significance (1 of 4 stars; one submission).

Conditions:
Familial cold autoinflammatory syndrome 2 (FCAS2). Identifiers: Orphanet 247868, MedGen C2673198, MONDO:0012724, OMIM 611762.

Allele frequency attached by ClinVar (database versions not stated): ExAC 0.00001.
gnomAD v4.1: 8 of 1,614,094 alleles (0.0005%); highest among the groups gnomAD compares: Non-Finnish European, 0.00068%; no homozygotes.

Submission:

Labcorp Genetics (formerly Invitae), Labcorp
Classification: Uncertain significance for Familial cold autoinflammatory syndrome 2. Last evaluated: 2021-06-19. Review status: criteria provided, single submitter. Criteria: Invitae Variant Classification Sherloc (09022015). Collection method: clinical testing. Allele origin: germline.
Comment: In summary, the available evidence is currently insufficient to determine the role of this variant in disease. Therefore, it has been classified as a Variant of Uncertain Significance. Algorithms developed to predict the effect of missense changes on protein structure and function (SIFT, PolyPhen-2, Align-GVGD) all suggest that this variant is likely to be tolerated, but these predictions have not been confirmed by published functional studies and their clinical significance is uncertain. This variant has not been reported in the literature in individuals with NLRP12-related conditions. This variant is present in population databases (rs774065257, ExAC 0.002%). This sequence change replaces cysteine with serine at codon 580 of the NLRP12 protein (p.Cys580Ser). The cysteine residue is moderately conserved and there is a moderate physicochemical difference between cysteine and serine.